The following is an entry in ClinVar:

ClinVar aggregate classification (germline): Uncertain significance. Review status: criteria provided, multiple submitters, no conflicts (2 of 4 stars). 2 submissions from 2 submitters: Uncertain significance (2). Last evaluated 2024-11-03.

Conditions:
Arrhythmogenic right ventricular dysplasia 11. Also called: Arrhythmogenic right ventricular dysplasia 11 with mild palmoplantar keratoderma and woolly hair; Arrhythmogenic Right Ventricular Dysplasia/Cardiomyopathy11; ARRHYTHMOGENIC RIGHT VENTRICULAR DYSPLASIA, FAMILIAL, 11. Identifiers: MedGen C1864850, MONDO:0012506, OMIM 610476.
Cardiovascular phenotype. Identifiers: MedGen CN230736.

gnomAD v4.1: 6 of 1,613,808 alleles (0.00037%); highest among the groups gnomAD compares: Admixed American, 0.0017%; no homozygotes.

Submissions (2):

Ambry Genetics
Classification: Uncertain significance for Cardiovascular phenotype. Last evaluated: 2024-11-03. Review status: criteria provided, single submitter. Criteria: Ambry Variant Classification Scheme 2023. Collection method: clinical testing. Allele origin: germline.
Comment: The p.G150C variant (also known as c.448G>T), located in coding exon 4 of the DSC2 gene, results from a G to T substitution at nucleotide position 448. The glycine at codon 150 is replaced by cysteine, an amino acid with highly dissimilar properties. This amino acid position is conserved. In addition, the in silico prediction for this alteration is inconclusive. Based on the available evidence, the clinical significance of this variant remains unclear.

Labcorp Genetics (formerly Invitae), Labcorp
Classification: Uncertain significance for Arrhythmogenic right ventricular dysplasia 11. Last evaluated: 2022-06-20. Review status: criteria provided, single submitter. Criteria: Invitae Variant Classification Sherloc (09022015). Collection method: clinical testing. Allele origin: germline.
Comment: This sequence change replaces glycine, which is neutral and non-polar, with cysteine, which is neutral and slightly polar, at codon 150 of the DSC2 protein (p.Gly150Cys). The frequency data for this variant in the population databases is considered unreliable, as metrics indicate poor data quality at this position in the gnomAD database. This variant has not been reported in the literature in individuals affected with DSC2-related conditions. Algorithms developed to predict the effect of missense changes on protein structure and function are either unavailable or do not agree on the potential impact of this missense change (SIFT: "Tolerated"; PolyPhen-2: "Probably Damaging"; Align-GVGD: "Class C35"). In summary, the available evidence is currently insufficient to determine the role of this variant in disease. Therefore, it has been classified as a Variant of Uncertain Significance.

NM_024422.6(DSC2):c.448G>T (p.Gly150Cys)

Gene: DSC2 (desmocollin 2; minus strand). Cytogenetic location: 18q12.1.
Variant type: single nucleotide variant.
Coding change: c.448G>T on transcript NM_024422.6 (MANE Select); coding-DNA position 448, G replaced by T.
Protein change: p.Gly150Cys; replaces glycine 150 with cysteine.
Molecular consequence: missense variant.
Genome position (GRCh38, 1-based): chr18:31,091,054, C>A on the plus strand (G>T on the coding strand, the complement: DSC2 is on the minus strand). VCF-style: chr18-31091054-C-A. GRCh37 (hg19) VCF-style: chr18-28671017-C-A.
Other names: c.448G>T (NM_024422.3); c.19G>T, p.Gly7Cys (NM_001406506.1, NM_001406507.1); c.448G>T, p.Gly150Cys (NM_004949.5); short protein forms G7C, G150C.
Identifiers: ClinVar variation 2151854 (VCV002151854.5), dbSNP rs1220979594, ClinGen allele CA402114135.